The following is an entry in ClinVar:

NM_000062.3(SERPING1):c.1264dup (p.Ser422fs)

Gene: SERPING1 (serpin family G member 1; plus strand). Cytogenetic location: 11q12.1.
Variant type: Duplication.
Coding change: c.1264dup on transcript NM_000062.3 (MANE Select); coding-DNA position 1264, one base duplicated (T; older notation c.1264dupT).
Protein change: p.Ser422fs; shifts the reading frame from serine 422.
Molecular consequence: frameshift variant.
Genome position (GRCh38, 1-based): chr11:57,614,342, T duplicated; the last of 5 consecutive T bases (chr11:57,614,338-57,614,342); duplicating any one gives the same sequence. VCF-style (leftmost placement, unchanged base first): chr11-57614337-A-AT. GRCh37 (hg19) VCF-style: chr11-57381810-A-AT.
Other names: c.1264dup, p.Ser422fs (NM_001032295.2); c.1264dupT (NM_000062.3); short protein forms S422fs.
Identifiers: ClinVar variation 3256122 (VCV003256122.2).
Genomic context (GRCh38, chr11:57,614,337, plus strand): 5'-TGAGGGTATCATGCTGGCTTCTGACTCTGTTTTTCTCTGGTTTTGCCCTAGAATTCTTCG[A>AT]TTTTTCTTATGACCTTAACCTGTGTGGGCTGACAGAGGACCCAGATCTTCAGGTTTCTGC-3'

ClinVar aggregate classification (germline): Pathogenic (1 of 4 stars; one submission).

Conditions:
Hereditary angioedema type 1 (HAE1). Identifiers: Orphanet 100050, Orphanet 100051, Orphanet 91378, MedGen C2717906, MONDO:0015053, OMIM 106100.

Submission:

DNA-diagnostics Laboratory, Research Centre For Medical Genetics
Classification: Pathogenic for Hereditary angioedema type 1. Last evaluated: 2024-07-27. Review status: criteria provided, single submitter. Criteria: ACMG Guidelines, 2015. Collection method: research. Allele origin: germline. Inheritance: Autosomal dominant inheritance. Affected: yes. Observed: 1 heterozygote.
Comment: According to our observation and published information (Mete Gökmen et al., 2019), the c.1264dupT variant in SERPING1 meets ACMG/ClinGen SVI guidance criteria to be classified as pathogenic: PVS1_Str, PS4_Mod, PP4_Mod, PM2_Sup

Literature cited by the submitters: PubMed 30278448.